The following is an entry in ClinVar:

ClinVar aggregate classification (germline): Pathogenic (1 of 4 stars; one submission).

Conditions:
Neuromuscular disease caused by qualitative or quantitative defects of dysferlin. Also called: Dysferlinopathy; Qualitative or quantitative defects of dysferlin. Identifiers: Orphanet 207073, MedGen C2931687, MONDO:0016145.

Submission:

Labcorp Genetics (formerly Invitae), Labcorp
Classification: Pathogenic for Neuromuscular disease caused by qualitative or quantitative defects of dysferlin. Last evaluated: 2025-06-22. Review status: criteria provided, single submitter. Criteria: Invitae Variant Classification Sherloc (09022015). Collection method: clinical testing. Allele origin: germline.
Comment: This sequence change creates a premature translational stop signal (p.Thr1898Asnfs*2) in the DYSF gene. It is expected to result in an absent or disrupted protein product. Loss-of-function variants in DYSF are known to be pathogenic (PMID: 17698709, 20301480). This variant is not present in population databases (gnomAD no frequency). This variant has not been reported in the literature in individuals affected with DYSF-related conditions. For these reasons, this variant has been classified as Pathogenic.

Literature cited by the submitters: PubMed 17698709; PubMed 20301480.

NM_001130987.2(DYSF):c.5809dup (p.Thr1937fs)

Gene: DYSF (dysferlin; plus strand). Cytogenetic location: 2p13.2.
Variant type: Duplication.
Coding change: c.5809dup on transcript NM_001130987.2 (MANE Select); coding-DNA position 5809, one base duplicated (A; older notation c.5809dupA).
Protein change: p.Thr1937fs; shifts the reading frame from threonine 1937.
Molecular consequence: frameshift variant.
Genome position (GRCh38, 1-based): chr2:71,674,221, A duplicated. VCF-style (leftmost placement, unchanged base first): chr2-71674220-G-GA. GRCh37 (hg19) VCF-style: chr2-71901350-G-GA.
Other names: c.5743dup, p.Thr1915fs (NM_001130980.2); c.5806dup, p.Thr1936fs (NM_001130981.2); c.5788dup, p.Thr1930fs (NM_001130982.2); c.5758dup, p.Thr1920fs (NM_001130983.2); c.5716dup, p.Thr1906fs (NM_001130984.2); c.5746dup, p.Thr1916fs (NM_001130985.2); c.5653dup, p.Thr1885fs (NM_001130986.2); c.5692dup, p.Thr1898fs (NM_003494.4); and 5 more; short protein forms T1905fs, T1916fs, T1884fs, T1915fs, T1920fs, T1929fs, T1936fs, T1885fs.
Identifiers: ClinVar variation 4721902 (VCV004721902.1).